The following is an entry in ClinVar:

NM_006073.4(TRDN):c.932-1G>C

Gene: TRDN (triadin; minus strand). Cytogenetic location: 6q22.31.
Variant type: single nucleotide variant.
Coding change: c.932-1G>C on transcript NM_006073.4 (MANE Select); the canonical splice acceptor site of the intron before coding-DNA position 932, G replaced by C.
Molecular consequence: splice acceptor variant.
Genome position (GRCh38, 1-based): chr6:123,439,004, C>G on the plus strand (G>C on the coding strand, the complement: TRDN is on the minus strand). VCF-style: chr6-123439004-C-G. GRCh37 (hg19) VCF-style: chr6-123760149-C-G.
Other names: c.872-1G>C (NM_001407315.1); c.932-1G>C (NM_001251987.2).
Identifiers: ClinVar variation 1766572 (VCV001766572.2), dbSNP rs899481541, ClinGen allele CA147271021.

ClinVar aggregate classification (germline): Uncertain significance (1 of 4 stars; one submission).

Conditions:
Cardiovascular phenotype. Identifiers: MedGen CN230736.

Allele frequency attached by ClinVar (database versions not stated): gnomAD exomes below 0.00001; gnomAD 0.00001; TOPMed 0.00001.
gnomAD v4.1: 7 of 1,546,508 alleles (0.00045%); highest among the groups gnomAD compares: Non-Finnish European, 0.00052%; no homozygotes.

Submission:

Ambry Genetics
Classification: Uncertain significance for Cardiovascular phenotype. Last evaluated: 2022-05-02. Review status: criteria provided, single submitter. Criteria: Ambry Variant Classification Scheme 2023. Collection method: clinical testing. Allele origin: germline.
Comment: The c.932-1G>C intronic variant results from a G to C substitution one nucleotide upstream from coding exon 11 of the TRDN gene. This nucleotide position is highly conserved in available vertebrate species. In silico splice site analysis predicts that this alteration will weaken the native splice acceptor site. Alterations that disrupt the canonical splice site are expected to cause aberrant splicing, resulting in an abnormal protein or a transcript that is subject to nonsense-mediated mRNA decay. However, this alteration does not impact the predominant cardiac isoform of TRDN (NM_001256021.1; Kobayashi YM et al. J. Biol. Chem., 1999 Oct;274:28660-8). Since supporting evidence is limited at this time, the clinical significance of this alteration remains unclear.